The following is an entry in ClinVar:

ClinVar aggregate classification (germline): Likely benign. Review status: criteria provided, multiple submitters, no conflicts (2 of 4 stars). 3 submissions from 3 submitters: Likely benign (3). Last evaluated 2023-09-10.

Conditions:
Developmental and epileptic encephalopathy, 12 (DEE12). Identifiers: MedGen C3150988, MONDO:0013389, OMIM 613722.

Allele frequency attached by ClinVar (database versions not stated): TOPMed 0.00001.
gnomAD v4.1: 13 of 1,562,186 alleles (0.00083%); highest among the groups gnomAD compares: Admixed American, 0.0057%; no homozygotes.

Submissions (3):

Labcorp Genetics (formerly Invitae), Labcorp
Classification: Likely benign for Developmental and epileptic encephalopathy, 12. Last evaluated: 2023-09-10. Review status: criteria provided, single submitter. Criteria: Invitae Variant Classification Sherloc (09022015). Collection method: clinical testing. Allele origin: germline.

Blueprint Genetics
Classification: Likely benign. Last evaluated: 2021-07-30. Review status: criteria provided, single submitter. Criteria: ACMG Guidelines, 2015. Collection method: clinical testing. Allele origin: germline.

GeneDx
Classification: Likely benign. Last evaluated: 2018-01-09. Review status: criteria provided, single submitter. Criteria: GeneDx Variant Classification (06012015). Collection method: clinical testing. Allele origin: germline. Affected: yes.
Comment: This variant is considered likely benign or benign based on one or more of the following criteria: it is a conservative change, it occurs at a poorly conserved position in the protein, it is predicted to be benign by multiple in silico algorithms, and/or has population frequency not consistent with disease.

NM_007254.4(PNKP):c.1298+12G>A

Gene: PNKP (polynucleotide kinase 3'-phosphatase; minus strand). Cytogenetic location: 19q13.33.
Variant type: single nucleotide variant.
Coding change: c.1298+12G>A on transcript NM_007254.4 (MANE Select); 12 bases into the intron after coding-DNA position 1298, G replaced by A.
Molecular consequence: intron variant.
Genome position (GRCh38, 1-based): chr19:49,861,760, C>T on the plus strand (G>A on the coding strand, the complement: PNKP is on the minus strand). VCF-style: chr19-49861760-C-T. GRCh37 (hg19) VCF-style: chr19-50365017-C-T.
Identifiers: ClinVar variation 516485 (VCV000516485.7), dbSNP rs747065246, ClinGen allele CA309539977.